The following is an entry in ClinVar:

NM_007078.3(LDB3):c.1231+240G>A

Gene: LDB3 (LIM domain binding 3; plus strand). Cytogenetic location: 10q23.2.
Variant type: single nucleotide variant.
Coding change: c.1231+240G>A on transcript NM_007078.3 (MANE Select); 240 bases into the intron after coding-DNA position 1231, G replaced by A.
Molecular consequence: intron variant.
Genome position (GRCh38, 1-based): chr10:86,710,290, G>A. VCF-style: chr10-86710290-G-A. GRCh37 (hg19) VCF-style: chr10-88470047-G-A.
Other names: c.1042+240G>A (NM_001368064.1, NM_001368065.1); c.1246+240G>A (NM_001171610.2); c.1090+240G>A (NM_001368066.1); c.901+240G>A (NM_001080114.2).
Identifiers: ClinVar variation 683018 (VCV000683018.2), dbSNP rs10887651, ClinGen allele CA13311121.

ClinVar aggregate classification (germline): Benign. Review status: criteria provided, multiple submitters, no conflicts (2 of 4 stars). 2 submissions from 2 submitters: Benign (2). Last evaluated 2018-06-14.

Allele frequency attached by ClinVar (database versions not stated): gnomAD exomes 0.30355; gnomAD 0.45242 and 0.45598; TOPMed 0.46384; 1000 Genomes Project 0.53415; 1000 Genomes Project 30x 0.53607.
gnomAD v4.1: 321,301 of 980,872 alleles (33%); highest among the groups gnomAD compares: African/African-American, 75%; 59,171 homozygotes.

Submissions (2):

GeneDx
Classification: Benign. Last evaluated: 2018-06-14. Review status: criteria provided, single submitter. Criteria: GeneDx Variant Classification (06012015). Collection method: clinical testing. Allele origin: germline. Affected: yes.
Comment: This variant is considered likely benign or benign based on one or more of the following criteria: it is a conservative change, it occurs at a poorly conserved position in the protein, it is predicted to be benign by multiple in silico algorithms, and/or has population frequency not consistent with disease.

Breakthrough Genomics
Classification: Benign. Review status: criteria provided, single submitter. Criteria: ACMG Guidelines, 2015. Collection method: not provided. Allele origin: germline. Inheritance: Autosomal dominant inheritance. Affected: yes.